The following is an entry in ClinVar:

ClinVar aggregate classification (germline): Uncertain significance (1 of 4 stars; one submission).

gnomAD v4.1: 4 of 1,614,126 alleles (0.00025%); highest among the groups gnomAD compares: African/African-American, 0.0027%; no homozygotes.

Submission:

CeGaT Center for Human Genetics Tuebingen
Classification: Uncertain significance. Last evaluated: 2026-08-01. Review status: criteria provided, single submitter. Criteria: CeGaT Center For Human Genetics Tuebingen Variant Classification Criteria Version 2. Collection method: clinical testing. Allele origin: germline. Affected: yes. Observed: 3 variant alleles.
Comment: NOTCH3: PM2, PM5

NM_000435.3(NOTCH3):c.1775G>T (p.Arg592Leu)

Gene: NOTCH3 (notch receptor 3; minus strand). Cytogenetic location: 19p13.12.
Variant type: single nucleotide variant.
Coding change: c.1775G>T on transcript NM_000435.3 (MANE Select); coding-DNA position 1775, G replaced by T.
Protein change: p.Arg592Leu; replaces arginine 592 with leucine.
Molecular consequence: missense variant.
Genome position (GRCh38, 1-based): chr19:15,187,170, C>A on the plus strand (G>T on the coding strand, the complement: NOTCH3 is on the minus strand). VCF-style: chr19-15187170-C-A. GRCh37 (hg19) VCF-style: chr19-15297981-C-A.
Other names: short protein forms R592L.
Identifiers: ClinVar variation 808494 (VCV000808494.42), dbSNP rs763115768, ClinGen allele CA404524836.